The following is an entry in ClinVar:

ClinVar aggregate classification (germline): Uncertain significance (1 of 4 stars; one submission).

Allele frequency attached by ClinVar (database versions not stated): TOPMed below 0.00001.

Submission:

Labcorp Genetics (formerly Invitae), Labcorp
Classification: Uncertain significance. Last evaluated: 2025-06-12. Review status: criteria provided, single submitter. Criteria: Invitae Variant Classification Sherloc (09022015). Collection method: clinical testing. Allele origin: germline.
Comment: This sequence change replaces isoleucine, which is neutral and non-polar, with valine, which is neutral and non-polar, at codon 1185 of the NUP205 protein (p.Ile1185Val). This variant is not present in population databases (gnomAD no frequency). This variant has not been reported in the literature in individuals affected with NUP205-related conditions. ClinVar contains an entry for this variant (Variation ID: 2093397). Invitae Evidence Modeling of protein sequence and biophysical properties (such as structural, functional, and spatial information, amino acid conservation, physicochemical variation, residue mobility, and thermodynamic stability) indicates that this missense variant is not expected to disrupt NUP205 protein function with a negative predictive value of 80%. In summary, the available evidence is currently insufficient to determine the role of this variant in disease. Therefore, it has been classified as a Variant of Uncertain Significance.

NM_015135.3(NUP205):c.3553A>G (p.Ile1185Val)

Gene: NUP205 (nucleoporin 205; plus strand). Cytogenetic location: 7q33.
Variant type: single nucleotide variant.
Coding change: c.3553A>G on transcript NM_015135.3 (MANE Select); coding-DNA position 3553, A replaced by G.
Protein change: p.Ile1185Val; replaces isoleucine 1185 with valine.
Molecular consequence: missense variant.
Genome position (GRCh38, 1-based): chr7:135,617,110, A>G. VCF-style: chr7-135617110-A-G. GRCh37 (hg19) VCF-style: chr7-135301858-A-G.
Other names: c.2479A>G, p.Ile827Val (NM_001329434.2); short protein forms I827V, I1185V.
Identifiers: ClinVar variation 2093397 (VCV002093397.4), dbSNP rs953500334, ClinGen allele CA167054738.